The following is an entry in ClinVar:

NM_033026.6(PCLO):c.2545G>A (p.Val849Ile)

Gene: PCLO (piccolo presynaptic cytomatrix protein; minus strand). Cytogenetic location: 7q21.11.
Variant type: single nucleotide variant.
Coding change: c.2545G>A on transcript NM_033026.6 (MANE Select); coding-DNA position 2545, G replaced by A.
Protein change: p.Val849Ile; replaces valine 849 with isoleucine.
Molecular consequence: missense variant.
Genome position (GRCh38, 1-based): chr7:83,135,005, C>T on the plus strand (G>A on the coding strand, the complement: PCLO is on the minus strand). VCF-style: chr7-83135005-C-T. GRCh37 (hg19) VCF-style: chr7-82764321-C-T.
Other names: c.2545G>A, p.Val849Ile (NM_014510.3); short protein forms V849I.
Identifiers: ClinVar variation 1923398 (VCV001923398.2), dbSNP rs547726879, ClinGen allele CA161172506.
Genomic context (GRCh38, chr7:83,135,005, plus strand): 5'-TGGCATCTGGTTTAGGACTCATTTTGGTTTGTGCTTTCTTGGGTTCTTCCTTCTTTTGTA[C>T]GGGGTCAACTTGTTTTTGACCTTTGCTCTCTGAACTGGGACCAGGATGTGAAATAATTTT-3'
Protein context (NP_149015.2, residues 839-859): ESKGQKQVDP[Val849Ile]QKKEEPKKAQ

ClinVar aggregate classification (germline): Uncertain significance (1 of 4 stars; one submission).

Allele frequency attached by ClinVar (database versions not stated): gnomAD 0.00002; 1000 Genomes Project 0.00020; 1000 Genomes Project 30x 0.00031.
gnomAD v4.1: 10 of 1,613,594 alleles (0.00062%); highest among the groups gnomAD compares: Admixed American, 0.0033%; no homozygotes.

Submission:

Labcorp Genetics (formerly Invitae), Labcorp
Classification: Uncertain significance. Last evaluated: 2021-12-06. Review status: criteria provided, single submitter. Criteria: Invitae Variant Classification Sherloc (09022015). Collection method: clinical testing. Allele origin: germline.
Comment: This sequence change replaces valine, which is neutral and non-polar, with isoleucine, which is neutral and non-polar, at codon 849 of the PCLO protein (p.Val849Ile). The frequency data for this variant in the population databases is considered unreliable, as metrics indicate poor data quality at this position in the gnomAD database. This variant has not been reported in the literature in individuals affected with PCLO-related conditions. Algorithms developed to predict the effect of missense changes on protein structure and function output the following: SIFT: "Tolerated"; PolyPhen-2: "Not Available"; Align-GVGD: "Class C0". The isoleucine amino acid residue is found in multiple mammalian species, which suggests that this missense change does not adversely affect protein function. In summary, the available evidence is currently insufficient to determine the role of this variant in disease. Therefore, it has been classified as a Variant of Uncertain Significance.